The following is an entry in ClinVar:

NM_207037.2(TCF12):c.1208A>T (p.Gln403Leu)

Gene: TCF12 (transcription factor 12; plus strand). Cytogenetic location: 15q21.3.
Variant type: single nucleotide variant.
Coding change: c.1208A>T on transcript NM_207037.2 (MANE Select); coding-DNA position 1208, A replaced by T.
Protein change: p.Gln403Leu; replaces glutamine 403 with leucine.
Molecular consequence: missense variant. On other transcripts: intron variant (8).
Genome position (GRCh38, 1-based): chr15:57,252,440, A>T. VCF-style: chr15-57252440-A-T. GRCh37 (hg19) VCF-style: chr15-57544638-A-T.
Other names: c.698A>T, p.Gln233Leu (NM_001306219.3); c.1208A>T, p.Gln403Leu (NM_001322151.2, NM_001322152.2, NM_001322159.3 and 3 more transcripts); c.551A>T, p.Gln184Leu (NM_001322154.2); c.1034A>T, p.Gln345Leu (NM_001322156.2); c.1189-822A>T (NM_001322157.3, NM_003205.4, NM_207038.2 and 1 more transcripts); c.1015-822A>T (NM_001322158.2); c.1225-822A>T (NM_001322164.2); c.679-822A>T (NM_207040.2); and 1 more; short protein forms Q184L, Q233L, Q345L, Q403L.
Identifiers: ClinVar variation 3390555 (VCV003390555.1).

ClinVar aggregate classification (germline): Uncertain significance (1 of 4 stars; one submission).

Submission:

GeneDx
Classification: Uncertain significance. Last evaluated: 2024-06-16. Review status: criteria provided, single submitter. Criteria: GeneDx Variant Classification Process June 2021. Collection method: clinical testing. Allele origin: germline. Affected: yes.
Comment: Not observed at significant frequency in large population cohorts (gnomAD); In silico analysis indicates that this missense variant does not alter protein structure/function; Has not been previously published as pathogenic or benign to our knowledge